The following is an entry in ClinVar:

ClinVar aggregate classification (germline): Uncertain significance. Review status: criteria provided, multiple submitters, no conflicts (2 of 4 stars). 2 submissions from 2 submitters: Uncertain significance (2). Last evaluated 2023-10-17.

Conditions:
ANKRD1-related dilated cardiomyopathy. Identifiers: MedGen CN119551.
Cardiovascular phenotype. Identifiers: MedGen CN230736.

gnomAD v4.1: 4 of 1,614,086 alleles (0.00025%); highest among the groups gnomAD compares: Non-Finnish European, 0.00034%; no homozygotes.

Submissions (2):

Ambry Genetics
Classification: Uncertain significance for Cardiovascular phenotype. Last evaluated: 2023-10-17. Review status: criteria provided, single submitter. Criteria: Ambry Variant Classification Scheme 2023. Collection method: clinical testing. Allele origin: germline.
Comment: The p.Y274D variant (also known as c.820T>G), located in coding exon 8 of the ANKRD1 gene, results from a T to G substitution at nucleotide position 820. The tyrosine at codon 274 is replaced by aspartic acid, an amino acid with highly dissimilar properties. This amino acid position is not well conserved in available vertebrate species. In addition, the in silico prediction for this alteration is inconclusive. The evidence for this gene-disease relationship is limited; therefore, the clinical significance of this alteration is unclear.

Labcorp Genetics (formerly Invitae), Labcorp
Classification: Uncertain significance for ANKRD1-related dilated cardiomyopathy. Last evaluated: 2017-10-17. Review status: criteria provided, single submitter. Criteria: Invitae Variant Classification Sherloc (09022015). Collection method: clinical testing. Allele origin: germline.
Comment: This sequence change replaces tyrosine with aspartic acid at codon 274 of the ANKRD1 protein (p.Tyr274Asp). The tyrosine residue is moderately conserved and there is a large physicochemical difference between tyrosine and aspartic acid. This variant is not present in population databases (ExAC no frequency). This variant has not been reported in the literature in individuals with ANKRD1-related disease. Algorithms developed to predict the effect of missense changes on protein structure and function do not agree on the potential impact of this missense change (SIFT: "Deleterious"; PolyPhen-2: "Benign"; Align-GVGD: "Class C15"). In summary, the available evidence is currently insufficient to determine the role of this variant in disease. Therefore, it has been classified as a Variant of Uncertain Significance.

NM_014391.3(ANKRD1):c.820T>G (p.Tyr274Asp)

Gene: ANKRD1 (ankyrin repeat domain 1; minus strand). Cytogenetic location: 10q23.31.
Variant type: single nucleotide variant.
Coding change: c.820T>G on transcript NM_014391.3 (MANE Select); coding-DNA position 820, T replaced by G.
Protein change: p.Tyr274Asp; replaces tyrosine 274 with aspartic acid.
Molecular consequence: missense variant.
Genome position (GRCh38, 1-based): chr10:90,915,572, A>C on the plus strand (T>G on the coding strand, the complement: ANKRD1 is on the minus strand). VCF-style: chr10-90915572-A-C. GRCh37 (hg19) VCF-style: chr10-92675329-A-C.
Other names: short protein forms Y274D.
Identifiers: ClinVar variation 543939 (VCV000543939.9), dbSNP rs377074932, ClinGen allele CA377549647.